The following is an entry in ClinVar:

ClinVar aggregate classification (germline): Uncertain significance (1 of 4 stars; one submission).

Conditions:
Joubert syndrome. Also called: JOUBERT-BOLTSHAUSER SYNDROME; Familial aplasia of the vermis. Identifiers: Orphanet 475, MedGen C5979921, MONDO:0018772.
Meckel-Gruber syndrome. Also called: DYSENCEPHALIA SPLANCHNOCYSTICA; GRUBER SYNDROME; Dysencephalia splachnocystica. Identifiers: Orphanet 564, MedGen C0265215, MONDO:0018921.

Submission:

Labcorp Genetics (formerly Invitae), Labcorp
Classification: Uncertain significance for Joubert syndrome; Meckel-Gruber syndrome. Last evaluated: 2022-03-10. Review status: criteria provided, single submitter. Criteria: Invitae Variant Classification Sherloc (09022015). Collection method: clinical testing. Allele origin: germline.
Comment: This variant has not been reported in the literature in individuals affected with CC2D2A-related conditions. Advanced modeling of protein sequence and biophysical properties (such as structural, functional, and spatial information, amino acid conservation, physicochemical variation, residue mobility, and thermodynamic stability) performed at Invitae indicates that this missense variant is expected to disrupt CC2D2A protein function. In summary, the available evidence is currently insufficient to determine the role of this variant in disease. Therefore, it has been classified as a Variant of Uncertain Significance. This variant is not present in population databases (gnomAD no frequency). This sequence change replaces proline, which is neutral and non-polar, with serine, which is neutral and polar, at codon 1567 of the CC2D2A protein (p.Pro1567Ser).

NM_001378615.1(CC2D2A):c.4699C>T (p.Pro1567Ser)

Genes: CC2D2A (coiled-coil and C2 domain containing 2A; plus strand), FBXL5 (F-box and leucine rich repeat protein 5; minus strand). Cytogenetic location: 4p15.32.
Variant type: single nucleotide variant.
Coding change: c.4699C>T on transcript NM_001378615.1 (MANE Select); coding-DNA position 4699, C replaced by T.
Protein change: p.Pro1567Ser; replaces proline 1567 with serine.
Molecular consequence: missense variant.
Genome position (GRCh38, 1-based): chr4:15,601,261, C>T. VCF-style: chr4-15601261-C-T. GRCh37 (hg19) VCF-style: chr4-15602884-C-T.
Other names: c.4699C>T, p.Pro1567Ser (NM_001080522.2); c.4552C>T, p.Pro1518Ser (NM_001378617.1); short protein forms P1518S, P1567S.
Identifiers: ClinVar variation 1517570 (VCV001517570.8), dbSNP rs2148497378, ClinGen allele CA356436050.
Genomic context (GRCh38, chr4:15,601,261, plus strand): 5'-ACTTCACTAATGACTACAAATGTTTTTTCCCTTCAGTTCTCTGGATTTCCTCTTCACATG[C>T]CTTATTCTGAAGTGAAGCCTTTAATTGACGCTGTGTATAGTACTGGAGTACATAATATTG-3'
Protein context (NP_001365544.1, residues 1557-1577): YRFSGFPLHM[Pro1567Ser]YSEVKPLIDA